The following is an entry in ClinVar:

ClinVar aggregate classification (germline): Conflicting classifications of pathogenicity. Review status: criteria provided, conflicting classifications (1 of 4 stars). 3 submissions from 3 submitters: Uncertain significance (2); Likely benign (1). Last evaluated 2026-04-23.

Conditions:
Fraser syndrome 1 (FRASRS1). Also called: CRYPTOPHTHALMOS WITH OTHER MALFORMATIONS. Identifiers: Orphanet 2052, MedGen C4551480, MONDO:0054737, OMIM 219000.
FRAS1-related disorder. Also called: FRAS1-related condition.

Allele frequency attached by ClinVar (database versions not stated): gnomAD exomes 0.00006 and 0.00020; gnomAD 0.00011 and 0.00014; ExAC 0.00018; TOPMed 0.00018; 1000 Genomes Project 30x 0.00047; 1000 Genomes Project 0.00060.
gnomAD v4.1: 120 of 1,613,922 alleles (0.0074%); highest among the groups gnomAD compares: East Asian, 0.23%; no homozygotes.

Submissions (3):

PreventionGenetics, part of Exact Sciences
Classification: Uncertain significance for FRAS1-related condition. Last evaluated: 2026-04-23. Review status: criteria provided, single submitter. Criteria: ACMG Guidelines, 2015. Collection method: clinical testing. Allele origin: germline.
Comment: The FRAS1 c.10041C>G variant is predicted to result in the amino acid substitution p.His3347Gln. To our knowledge, this variant has not been reported in the literature. This variant is reported in 0.31% of alleles in individuals of East Asian descent in gnomAD. Although we suspect that this variant may be benign, at this time, the clinical significance of this variant is uncertain due to the absence of conclusive functional and genetic evidence.

Labcorp Genetics (formerly Invitae), Labcorp
Classification: Likely benign. Last evaluated: 2026-01-27. Review status: criteria provided, single submitter. Criteria: Invitae Variant Classification Sherloc (09022015). Collection method: clinical testing. Allele origin: germline.

Illumina Laboratory Services, Illumina
Classification: Uncertain significance for Fraser syndrome 1. Last evaluated: 2018-01-12. Review status: criteria provided, single submitter. Criteria: ICSL Variant Classification Criteria 13 December 2019. Collection method: clinical testing. Allele origin: germline.

NM_025074.7(FRAS1):c.10041C>G (p.His3347Gln)

Gene: FRAS1 (Fraser extracellular matrix complex subunit 1; plus strand). Cytogenetic location: 4q21.21.
Variant type: single nucleotide variant.
Coding change: c.10041C>G on transcript NM_025074.7 (MANE Select); coding-DNA position 10041, C replaced by G.
Protein change: p.His3347Gln; replaces histidine 3347 with glutamine.
Molecular consequence: missense variant.
Genome position (GRCh38, 1-based): chr4:78,513,419, C>G. VCF-style: chr4-78513419-C-G. GRCh37 (hg19) VCF-style: chr4-79434573-C-G.
Other names: short protein forms H3347Q.
Identifiers: ClinVar variation 907595 (VCV000907595.12), dbSNP rs552676865, ClinGen allele CA2978850.